The following is an entry in ClinVar:

NM_000152.5(GAA):c.546+8G>A

Gene: GAA (alpha glucosidase; plus strand). Cytogenetic location: 17q25.3.
Variant type: single nucleotide variant.
Coding change: c.546+8G>A on transcript NM_000152.5 (MANE Select); 8 bases into the intron after coding-DNA position 546, G replaced by A.
Molecular consequence: intron variant.
Genome position (GRCh38, 1-based): chr17:80,105,140, G>A. VCF-style: chr17-80105140-G-A. GRCh37 (hg19) VCF-style: chr17-78078939-G-A.
Other names: c.546+8G>A (LRG_673t1, NM_001079803.3, NM_001079804.3).
Identifiers: ClinVar variation 497167 (VCV000497167.20), dbSNP rs200107080, ClinGen allele CA294887513.

ClinVar aggregate classification (germline): Conflicting classifications of pathogenicity. Review status: criteria provided, conflicting classifications (1 of 4 stars). 4 submissions from 4 submitters: Uncertain significance (1); Likely benign (3). Last evaluated 2025-05-11.

Conditions:
Glycogen storage disease, type II (IOPD). Also called: Pompe Disease; POMPE DISEASE, INFANTILE-ONSET; GLYCOGEN STORAGE DISEASE II, INFANTILE-ONSET; ACID ALPHA-GLUCOSIDASE DEFICIENCY, INFANTILE-ONSET; GAA DEFICIENCY, INFANTILE-ONSET; ACID MALTASE DEFICIENCY, INFANTILE-ONSET. Identifiers: Orphanet 365, MedGen C0017921, MONDO:0009290, OMIM 232300.

Allele frequency attached by ClinVar (database versions not stated): gnomAD exomes below 0.00001; gnomAD 0.00001; 1000 Genomes Project 30x 0.00016; 1000 Genomes Project 0.00020.
gnomAD v4.1: 3 of 1,600,144 alleles (0.00019%); highest among the groups gnomAD compares: East Asian, 0.0045%; no homozygotes.

Submissions (4):

Labcorp Genetics (formerly Invitae), Labcorp
Classification: Likely benign for Glycogen storage disease, type II. Last evaluated: 2025-05-11. Review status: criteria provided, single submitter. Criteria: Invitae Variant Classification Sherloc (09022015). Collection method: clinical testing. Allele origin: germline.

Genome-Nilou Lab
Classification: Likely benign for Glycogen storage disease, type II. Last evaluated: 2021-07-22. Review status: criteria provided, single submitter. Criteria: ACMG Guidelines, 2015. Collection method: clinical testing. Allele origin: germline. Affected: no.

Broad Center for Mendelian Genomics, Broad Institute of MIT and Harvard
Classification: Likely benign for Glycogen storage disease, type II. Last evaluated: 2020-01-22. Review status: criteria provided, single submitter. Criteria: ACMG Guidelines, 2015. Collection method: curation. Allele origin: germline. Inheritance: Autosomal recessive inheritance.
Comment: The c.546+8G>A variant in GAA has not been previously reported in individuals with Glycogen Storage Disease II but has been reported as a VUS by EGL Genetic Diagnostics and as a likely benign variant by Invitae in ClinVar (Variation ID: 497167). This variant has been identified in 0.006% (1/18054) of East Asian chromosomes by the Genome Aggregation Database (gnomAD; dbSNP rs200107080). Although this variant has been seen in the general population, its frequency is low enough to be consistent with a recessive carrier frequency. Computational prediction tools, including splice predictors, and conservation analyses suggest that this variant may not impact the protein, though this information is not predictive enough to rule out pathogenicity. However, novel synonymous variants supported by computational evidence without raised suspicion for an impact are likely benign (Richards 2015). In summary, although additional studies are required to fully establish its clinical significance, this variant is likely benign. ACMG/AMP Criteria applied: PM2, BP4, BP7 (Richards 2015).

Eurofins Ntd Llc (ga)
Classification: Uncertain significance. Last evaluated: 2016-10-03. Review status: criteria provided, single submitter. Criteria: EGL Classification Definitions 2015. Collection method: clinical testing. Allele origin: germline. Observed: 1 variant allele, 1 heterozygote.